The following is an entry in ClinVar:

ClinVar aggregate classification (germline): Uncertain significance (1 of 4 stars; one submission).

Submission:

GeneDx
Classification: Uncertain significance. Last evaluated: 2025-06-06. Review status: criteria provided, single submitter. Criteria: GeneDx Variant Classification Process June 2021. Collection method: clinical testing. Allele origin: germline. Affected: yes.
Comment: Not observed at significant frequency in large population cohorts (gnomAD); Nonsense variant predicted to result in protein truncation or nonsense mediated decay in a gene or region of a gene for which loss of function is not a well-established mechanism of disease; Has not been previously published as pathogenic or benign to our knowledge

NM_001003800.2(BICD2):c.331G>T (p.Glu111Ter)

Gene: BICD2 (BICD cargo adaptor 2; minus strand). Cytogenetic location: 9q22.31.
Variant type: single nucleotide variant.
Coding change: c.331G>T on transcript NM_001003800.2 (MANE Select); coding-DNA position 331, G replaced by T.
Protein change: p.Glu111Ter; replaces glutamic acid 111 with a stop codon.
Molecular consequence: nonsense.
Genome position (GRCh38, 1-based): chr9:92,729,146, C>A on the plus strand (G>T on the coding strand, the complement: BICD2 is on the minus strand). VCF-style: chr9-92729146-C-A. GRCh37 (hg19) VCF-style: chr9-95491428-C-A.
Other names: c.331G>T, p.Glu111Ter (NM_015250.4); short protein forms E111*.
Identifiers: ClinVar variation 3378260 (VCV003378260.2).